The following is an entry in ClinVar:

NM_007294.4(BRCA1):c.2695del (p.Val899fs)

Gene: BRCA1 (BRCA1 DNA repair associated; minus strand). Cytogenetic location: 17q21.31.
Variant type: Deletion.
Coding change: c.2695del on transcript NM_007294.4 (MANE Select); coding-DNA position 2695, one base deleted (G; older notation c.2695delG).
Protein change: p.Val899fs; shifts the reading frame from valine 899.
Molecular consequence: frameshift variant. On other transcripts: intron variant (137).
Genome position (GRCh38, 1-based): chr17:43,092,836, C deleted on the plus strand (G on the coding strand, the reverse complement: BRCA1 is on the minus strand). VCF-style (leftmost placement, unchanged base first): chr17-43092835-AC-A. GRCh37 (hg19) VCF-style: chr17-41244852-AC-A.
Other names: c.2695del, p.Val899fs (NM_001407619.1, NM_001407620.1, NM_001407624.1 and 30 more transcripts); c.2482del, p.Val828fs (NM_001407571.1, NM_001407853.1, NM_001407894.1 and 9 more transcripts); c.2692del, p.Val898fs (NM_001407587.1, NM_001407590.1, NM_001407591.1 and 22 more transcripts); c.2686del, p.Val896fs (NM_001407646.1, NM_001407647.1); c.2572del, p.Val858fs (NM_001407648.1, NM_001407664.1, NM_001407665.1 and 19 more transcripts); c.2569del, p.Val857fs (NM_001407649.1, NM_001407670.1, NM_001407671.1 and 11 more transcripts); c.2617del, p.Val873fs (NM_001407653.1, NM_001407654.1, NM_001407655.1 and 4 more transcripts); c.2614del, p.Val872fs (NM_001407659.1, NM_001407660.1, NM_001407661.1 and 1 more transcripts); and 42 more; short protein forms V852fs, V899fs, V772fs, V832fs, V857fs, V896fs, V898fs, V731fs.
Identifiers: ClinVar variation 920348 (VCV000920348.5), dbSNP rs1567794603, ClinGen allele CA919844346.

ClinVar aggregate classification (germline): Pathogenic (1 of 4 stars; one submission).

Conditions:
Hereditary cancer-predisposing syndrome. Also called: Neoplastic Syndromes, Hereditary; Tumor predisposition; Hereditary Cancer Syndrome; Hereditary neoplastic syndrome. Identifiers: Orphanet 140162, MedGen C0027672, MeSH D009386, MONDO:0015356.

Submission:

Color Diagnostics, LLC DBA Color Health
Classification: Pathogenic for Hereditary cancer-predisposing syndrome. Last evaluated: 2020-02-09. Review status: criteria provided, single submitter. Criteria: ACMG Guidelines, 2015. Collection method: clinical testing. Allele origin: germline.
Comment: This variant deletes 1 nucleotide in exon 10 of the BRCA1 gene, creating a frameshift and premature translation stop signal. This variant is expected to result in an absent or non-functional protein product. This variant has been reported in an individual affected with breast and/or ovarian cancer (PMID: 27157322). This variant has not been identified in the general population by the Genome Aggregation Database (gnomAD). Loss of BRCA1 function is a known mechanism of disease. Based on the available evidence, this variant is classified as Pathogenic.